The following is an entry in ClinVar:

ClinVar aggregate classification (germline): Uncertain significance (1 of 4 stars; one submission).

Allele frequency attached by ClinVar (database versions not stated): gnomAD exomes below 0.00001.
gnomAD v4.1: 4 of 1,614,136 alleles (0.00025%); highest among the groups gnomAD compares: Non-Finnish European, 0.00034%; no homozygotes.

Submission:

Labcorp Genetics (formerly Invitae), Labcorp
Classification: Uncertain significance. Last evaluated: 2020-12-11. Review status: criteria provided, single submitter. Criteria: Invitae Variant Classification Sherloc (09022015). Collection method: clinical testing. Allele origin: germline.
Comment: This sequence change falls in intron 18 of the AP3D1 gene. It does not directly change the encoded amino acid sequence of the AP3D1 protein. It affects a nucleotide within the consensus splice site of the intron. This variant is not present in population databases (ExAC no frequency). This variant has not been reported in the literature in individuals with AP3D1-related conditions. Nucleotide substitutions within the consensus splice site are a relatively common cause of aberrant splicing (PMID: 17576681, 9536098). Algorithms developed to predict the effect of sequence changes on RNA splicing suggest that this variant is not likely to affect RNA splicing, but this prediction has not been confirmed by published transcriptional studies. In summary, the available evidence is currently insufficient to determine the role of this variant in disease. Therefore, it has been classified as a Variant of Uncertain Significance.

Literature cited by the submitters: PubMed 17576681; PubMed 9536098.

NM_001261826.3(AP3D1):c.2073+3G>A

Gene: AP3D1 (adaptor related protein complex 3 subunit delta 1; minus strand). Cytogenetic location: 19p13.3.
Variant type: single nucleotide variant.
Coding change: c.2073+3G>A on transcript NM_001261826.3 (MANE Select); 3 bases into the intron after coding-DNA position 2073, G replaced by A.
Molecular consequence: intron variant.
Genome position (GRCh38, 1-based): chr19:2,116,204, C>T on the plus strand (G>A on the coding strand, the complement: AP3D1 is on the minus strand). VCF-style: chr19-2116204-C-T. GRCh37 (hg19) VCF-style: chr19-2116203-C-T.
Other names: c.2073+3G>A (NM_003938.8, NM_001374799.1).
Identifiers: ClinVar variation 1489803 (VCV001489803.1), dbSNP rs1271623264, ClinGen allele CA631077976.